The following is an entry in ClinVar:

NM_024642.5(GALNT12):c.64T>G (p.Leu22Val)

Genes: GALNT12 (polypeptide N-acetylgalactosaminyltransferase 12; plus strand), LOC130002222 (ATAC-STARR-seq lymphoblastoid silent region 20123; plus strand). Cytogenetic location: 9q22.33.
Variant type: single nucleotide variant.
Coding change: c.64T>G on transcript NM_024642.5 (MANE Select); coding-DNA position 64, T replaced by G.
Protein change: p.Leu22Val; replaces leucine 22 with valine.
Molecular consequence: missense variant.
Genome position (GRCh38, 1-based): chr9:98,807,762, T>G. VCF-style: chr9-98807762-T-G. GRCh37 (hg19) VCF-style: chr9-101570044-T-G.
Other names: short protein forms L22V.
Identifiers: ClinVar variation 1753911 (VCV001753911.2), dbSNP rs2118255375, ClinGen allele CA374222163.

ClinVar aggregate classification (germline): Uncertain significance (1 of 4 stars; one submission).

Submission:

Ambry Genetics
Classification: Uncertain significance. Last evaluated: 2020-07-10. Review status: criteria provided, single submitter. Criteria: Ambry Variant Classification Scheme 2023. Collection method: clinical testing. Allele origin: germline.
Comment: The p.L22V variant (also known as c.64T>G), located in coding exon 1 of the GALNT12 gene, results from a T to G substitution at nucleotide position 64. The leucine at codon 22 is replaced by valine, an amino acid with highly similar properties. This amino acid position is well conserved in available vertebrate species. In addition, this alteration is predicted to be tolerated by in silico analysis. Since supporting evidence is limited at this time, the clinical significance of this alteration remains unclear.